The following is an entry in ClinVar:

ClinVar aggregate classification (germline): Pathogenic. Review status: reviewed by expert panel (3 of 4 stars). 8 submissions from 8 submitters: Pathogenic (1). 7 of the submissions do not count toward it. Last evaluated 2013-09-05.

Conditions:
Hereditary nonpolyposis colon cancer (HNPCC). Also called: Hereditary nonpolyposis colorectal cancer; Familial nonpolyposis colon cancer; Hereditary Nonpolyposis Colorectal Cancer Syndrome. Identifiers: Orphanet 443909, MedGen C1333990, MONDO:0018630. Disease mechanism: loss of function.
Hereditary nonpolyposis colorectal neoplasms. Identifiers: MedGen C0009405, MeSH D003123.
Hereditary cancer-predisposing syndrome. Also called: Hereditary neoplastic syndrome; Neoplastic Syndromes, Hereditary; Hereditary Cancer Syndrome; Tumor predisposition. Identifiers: Orphanet 140162, MedGen C0027672, MeSH D009386, MONDO:0015356.
Lynch syndrome. Identifiers: Orphanet 144, MedGen C4552100, MONDO:0005835. Disease mechanism: loss of function.
Lynch syndrome 4 (LYNCH4). Also called: Colorectal cancer, hereditary nonpolyposis, type 4; Hereditary non-polyposis colorectal cancer, type 4. Identifiers: Orphanet 144, MedGen C1838333, MONDO:0013699, OMIM 614337. Disease mechanism: loss of function.

Submissions (8):

International Society for Gastrointestinal Hereditary Tumours (InSiGHT)
Classification: Pathogenic for Lynch Syndrome. Last evaluated: 2013-09-05. Review status: reviewed by expert panel. Criteria: Guidelines v1.9. Collection method: research. Allele origin: germline.
Comment: Coding sequence variation resulting in a stop codon

Classified with v1.9 guidelines

Dasa
Classification: Pathogenic. Last evaluated: 2025-12-16. Review status: criteria provided, single submitter. Criteria: DASA Assertion Criteria. Collection method: clinical testing. Allele origin: germline. Not counted in ClinVar's aggregate classification.
Comment: NM_000535.7(PMS2):c.703C>T (p.Gln235*) introduces a premature termination codon predicted to result in loss of normal protein function. Loss-of-function is an established mechanism of disease for this gene. This variant has been reported in individuals with related phenotype (PMID: 15887099). The variant is present at low frequency in population datasets. Based on the available data, this variant is classified as pathogenic.

Labcorp Genetics (formerly Invitae), Labcorp
Classification: Pathogenic for Hereditary nonpolyposis colorectal neoplasms. Last evaluated: 2025-09-22. Review status: criteria provided, single submitter. Criteria: Invitae Variant Classification Sherloc (09022015). Collection method: clinical testing. Allele origin: germline. Not counted in ClinVar's aggregate classification.
Comment: This sequence change creates a premature translational stop signal (p.Gln235*) in the PMS2 gene. RNA analysis indicates that this premature translational stop signal induces altered splicing and may result in an absent or altered protein product. This variant is not present in population databases (gnomAD no frequency). This premature translational stop signal has been observed in individual(s) with clinical features of Lynch syndrome (PMID: 15887099, 28514183). ClinVar contains an entry for this variant (Variation ID: 91363). Studies have shown that this premature translational stop signal results in activation of a cryptic splice site, and produces a non-functional protein and/or introduces a premature termination codon (internal data). For these reasons, this variant has been classified as Pathogenic.

GeneDx
Classification: Pathogenic. Last evaluated: 2025-09-03. Review status: criteria provided, single submitter. Criteria: GeneDx Variant Classification Process June 2021. Collection method: clinical testing. Allele origin: germline. Affected: yes. Not counted in ClinVar's aggregate classification.
Comment: Observed in patients with Lynch-related cancers and tumor studies consistent with pathogenic variants in this gene (PMID: 15887099); Truncating variants in this gene are considered pathogenic by a well-established clinical consortium and/or database; Not observed at significant frequency in large population cohorts (gnomAD); Nonsense variant predicted to result in protein truncation or nonsense mediated decay in a gene for which loss of function is a known mechanism of disease; This variant is associated with the following publications: (PMID: 25525159, 32719484, 15887099)

Myriad Genetics, Inc.
Classification: Pathogenic for Lynch syndrome 4. Last evaluated: 2025-01-10. Review status: criteria provided, single submitter. Criteria: Myriad Autosomal Dominant, Autosomal Recessive and X-Linked Classification Criteria (2023). Collection method: clinical testing. Allele origin: unknown. Not counted in ClinVar's aggregate classification.
Comment: This variant is considered pathogenic. This variant creates a termination codon and is predicted to result in premature protein truncation.

Ambry Genetics
Classification: Pathogenic for Hereditary cancer-predisposing syndrome. Last evaluated: 2024-08-28. Review status: criteria provided, single submitter. Criteria: Ambry Variant Classification Scheme 2023. Collection method: clinical testing. Allele origin: germline. Not counted in ClinVar's aggregate classification.
Comment: The p.Q235* pathogenic mutation (also known as c.703C>T), located in coding exon 6 of the PMS2 gene, results from a C to T substitution at nucleotide position 703. This changes the amino acid from a glutamine to a stop codon within coding exon 6. This variant has also been reported in 1/60,466 breast cancer cases and in 0/53,461 controls (Dorling et al. N Engl J Med. 2021 02;384:428-439). In addition to the clinical data presented in the literature, this alteration is expected to result in loss of function by premature protein truncation or nonsense-mediated mRNA decay. As such, this alteration is interpreted as a disease-causing mutation.

MGZ Medical Genetics Center
Classification: Pathogenic for Lynch syndrome 4. Last evaluated: 2022-06-03. Review status: criteria provided, single submitter. Criteria: ACMG Guidelines, 2015. Collection method: clinical testing. Allele origin: germline. Affected: yes. Observed: 1 variant allele. Not counted in ClinVar's aggregate classification.
Comment: ACMG criteria applied: PVS1, PS4_SUP, PM2_SUP

Women's Health and Genetics/Laboratory Corporation of America, LabCorp
Classification: Pathogenic for Hereditary nonpolyposis colon cancer. Last evaluated: 2021-10-03. Review status: criteria provided, single submitter. Criteria: LabCorp Variant Classification Summary - May 2015. Collection method: clinical testing. Allele origin: germline. Not counted in ClinVar's aggregate classification.
Comment: Variant summary: PMS2 c.703C>T (p.Gln235X) results in a premature termination codon, predicted to cause a truncation of the encoded protein or absence of the protein due to nonsense mediated decay, which are commonly known mechanisms for disease. Truncations downstream of this position have been classified as pathogenic by our laboratory. In addition, as the variant alters a conserved nucleotide located in the putative exonic splice region close to the canonical splice donor site, several computational tools predict a significant impact on normal splicing: Four predict the variant abolishes the canonical 5' splicing donor site. However, these predictions have yet to be confirmed by functional studies. Either of these variant effects, namely truncation or splicing impact, will result in a loss of PMS2 function. The variant was absent in 251490 control chromosomes. c.703C>T has been reported in the literature in individuals affected with colorectal cancer and has also been reported as a pathogenic finding in at-least one individual undergoing population screening in the Healthy Nevada project (example, Truninger_2005, Espenschied_2017, Grzymski_2020). These data indicate that the variant may be associated with disease. To our knowledge, no experimental evidence demonstrating an impact on protein function has been reported. No clinical diagnostic laboratories have submitted clinical-significance assessments for this variant to ClinVar after 2014, although an expert panel (InSIGHT) and a clinical diagnostic laboratory have submitted clinical-significance assessments as pathogenic before 2014. Based on the evidence outlined above, the variant was classified as pathogenic.

Literature cited by the submitters: PubMed 15887099 (cited by 4 submitters); PubMed 28514183 (cited by Labcorp Genetics (formerly Invitae), Labcorp and Women's Health and Genetics/Laboratory Corporation of America, LabCorp); PubMed 33471991 (cited by Ambry Genetics); PubMed 32719484 (cited by Women's Health and Genetics/Laboratory Corporation of America, LabCorp).

NM_000535.7(PMS2):c.703C>T (p.Gln235Ter)

Gene: PMS2 (PMS1 homolog 2, mismatch repair system component; minus strand). Cytogenetic location: 7p22.1.
Variant type: single nucleotide variant.
Coding change: c.703C>T on transcript NM_000535.7 (MANE Select); coding-DNA position 703, C replaced by T.
Protein change: p.Gln235Ter; replaces glutamine 235 with a stop codon.
Molecular consequence: nonsense. On other transcripts: 5 prime UTR variant (2), non-coding transcript variant (1), intron variant (1).
Genome position (GRCh38, 1-based): chr7:5,999,110, G>A on the plus strand (C>T on the coding strand, the complement: PMS2 is on the minus strand). VCF-style: chr7-5999110-G-A. GRCh37 (hg19) VCF-style: chr7-6038741-G-A.
Other names: c.385C>T, p.Gln129Ter (NM_001322007.2, NM_001322008.2); c.298C>T, p.Gln100Ter (NM_001322009.2, NM_001322010.2, NM_001322003.2 and 2 more transcripts); c.-231C>T (NM_001322011.2, NM_001322012.2); c.703C>T, p.Gln235Ter (NM_001322014.2, NM_001322006.2); c.394C>T, p.Gln132Ter (NM_001322015.2); c.133-1687C>T (NM_001322013.2); short protein forms Q235*, Q100*, Q129*, Q132*.
Identifiers: ClinVar variation 91363 (VCV000091363.21), dbSNP rs63750261, ClinGen allele CA012575.
Genomic context (GRCh38, chr7:5,999,110, plus strand): 5'-GAAACCCGCTATAATCACTAGAGCAATAAGAGGCGTTGAAGTAACCGGCCATCACTACCT[G>A]CTTCTGCCCAAACACAGAGCCGATATTTTCCTTTATGCTGGGGCTTCCACCTGTGCATAC-3'